The following is an entry in ClinVar:

NM_000642.3(AGL):c.*732C>T

Gene: AGL (amylo-alpha-1,6-glucosidase and 4-alpha-glucanotransferase; plus strand). Cytogenetic location: 1p21.2.
Variant type: single nucleotide variant.
Coding change: c.*732C>T on transcript NM_000642.3 (MANE Select); 732 bases downstream of the stop codon, C replaced by T.
Molecular consequence: 3 prime UTR variant.
Genome position (GRCh38, 1-based): chr1:99,922,383, C>T. VCF-style: chr1-99922383-C-T. GRCh37 (hg19) VCF-style: chr1-100387939-C-T.
Other names: c.*732C>T (NM_000028.3, NM_000643.3, NM_000644.3 and 7 more transcripts).
Identifiers: ClinVar variation 291359 (VCV000291359.6), dbSNP rs3766600, ClinGen allele CA10611787.

ClinVar aggregate classification (germline): Benign. Review status: criteria provided, multiple submitters, no conflicts (2 of 4 stars). 2 submissions from 2 submitters: Benign (2). Last evaluated 2018-01-12.

Conditions:
Glycogen storage disease type III (GSD3). Also called: FORBES DISEASE; Cori disease. Identifiers: Orphanet 366, MedGen C0017922, MONDO:0009291, OMIM 232400.

Allele frequency attached by ClinVar (database versions not stated): TOPMed 0.61273; gnomAD 0.61714 and 0.61998; 1000 Genomes Project 30x 0.57995; 1000 Genomes Project 0.59046.

Submissions (2):

Illumina Laboratory Services, Illumina
Classification: Benign for Glycogen storage disease type III. Last evaluated: 2018-01-12. Review status: criteria provided, single submitter. Criteria: ICSL Variant Classification Criteria 13 December 2019. Collection method: clinical testing. Allele origin: germline.
Comment: This variant was observed in the ICSL laboratory as part of a predisposition screen in an ostensibly healthy population. It had not been previously curated by ICSL or reported in the Human Gene Mutation Database (HGMD: prior to June 1st, 2018), and was therefore a candidate for classification through an automated scoring system. Utilizing variant allele frequency, disease prevalence and penetrance estimates, and inheritance mode, an automated score was calculated to assess if this variant is too frequent to cause the disease. Based on the score and internal cut-off values, a variant classified as benign is not then subjected to further curation. The score for this variant resulted in a classification of benign for this disease.

Breakthrough Genomics
Classification: Benign. Review status: criteria provided, single submitter. Criteria: ACMG Guidelines, 2015. Collection method: not provided. Allele origin: germline. Inheritance: Autosomal recessive inheritance. Affected: yes.